The following is an entry in ClinVar:

NM_032383.5(HPS3):c.26del (p.Pro9fs)

Gene: HPS3 (HPS3 biogenesis of lysosomal organelles complex 2 subunit 1; plus strand). Cytogenetic location: 3q24.
Variant type: Deletion.
Coding change: c.26del on transcript NM_032383.5 (MANE Select); coding-DNA position 26, one base deleted (C; older notation c.26delC).
Protein change: p.Pro9fs; shifts the reading frame from proline 9.
Molecular consequence: frameshift variant.
Genome position (GRCh38, 1-based): chr3:149,129,749, C deleted; the last of 3 consecutive C bases (chr3:149,129,747-149,129,749); deleting any one gives the same sequence. VCF-style (leftmost placement, unchanged base first): chr3-149129746-AC-A. GRCh37 (hg19) VCF-style: chr3-148847533-AC-A.
Other names: c.26del, p.Pro9fs (NM_001308258.2); short protein forms P9fs.
Identifiers: ClinVar variation 1073245 (VCV001073245.8), dbSNP rs2108111799, ClinGen allele CA2499216545.
Genomic context (GRCh38, chr3:149,129,746, plus strand): 5'-CAGGGCGGGCAGGCTGTGCCATCCCGCCGGACGTCGGGATGGTGCAGCTGTACAACCTGC[AC>A]CCGTTCGGGTCGCAGCAGGTGGTGCCCTGCAAGCTGGAGCCGGACCGGTTCTGTGGCGGG-3'

ClinVar aggregate classification (germline): Pathogenic. Review status: criteria provided, multiple submitters, no conflicts (2 of 4 stars). 2 submissions from 2 submitters: Pathogenic (2). Last evaluated 2024-10-06.

Conditions:
Hermansky-Pudlak syndrome 3 (HPS3). Identifiers: Orphanet 231512, Orphanet 79430, MedGen C3888001, MONDO:0013555, OMIM 614072.

Submissions (2):

Myriad Genetics, Inc.
Classification: Pathogenic for Hermansky-Pudlak syndrome 3. Last evaluated: 2024-10-06. Review status: criteria provided, single submitter. Criteria: Myriad Autosomal Dominant, Autosomal Recessive and X-Linked Classification Criteria (2023). Collection method: clinical testing. Allele origin: unknown.
Comment: NM_032383.3(HPS3):c.26delC(P9Rfs*69) is expected to be pathogenic in the context of Hermansky-Pudlak syndrome, HPS3-related. This variant is predicted to lead to an abnormal or absent protein product due to the creation of a premature termination codon in HPS3, a gene where loss-of-function variants are known to be pathogenic. Please note: this variant was assessed in the context of healthy population screening.

Labcorp Genetics (formerly Invitae), Labcorp
Classification: Pathogenic. Last evaluated: 2020-01-10. Review status: criteria provided, single submitter. Criteria: Invitae Variant Classification Sherloc (09022015). Collection method: clinical testing. Allele origin: germline.
Comment: For these reasons, this variant has been classified as Pathogenic. Loss-of-function variants in HPS3 are known to be pathogenic (PMID: 11590544). This variant has not been reported in the literature in individuals with HPS3-related conditions. This variant is not present in population databases (ExAC no frequency). This sequence change creates a premature translational stop signal (p.Pro9Argfs*69) in the HPS3 gene. It is expected to result in an absent or disrupted protein product.

Literature cited by the submitters: PubMed 11590544 (cited by Labcorp Genetics (formerly Invitae), Labcorp).